The following is an entry in ClinVar:

ClinVar aggregate classification (germline): Uncertain significance. Review status: criteria provided, multiple submitters, no conflicts (2 of 4 stars). 2 submissions from 2 submitters: Uncertain significance (2). Last evaluated 2024-12-10.

Conditions:
Inborn genetic diseases. Identifiers: MedGen C0950123, MeSH D030342.

gnomAD v4.1: 1 of 1,583,162 alleles (0.000063%); highest among the groups gnomAD compares: South Asian, 0.0011%; no homozygotes.

Submissions (2):

Ambry Genetics
Classification: Uncertain significance for Inborn genetic diseases. Last evaluated: 2024-12-10. Review status: criteria provided, single submitter. Criteria: Ambry Variant Classification Scheme 2023. Collection method: clinical testing. Allele origin: germline.
Comment: The p.N1375S variant (also known as c.4124A>G), located in coding exon 29 of the ANKRD26 gene, results from an A to G substitution at nucleotide position 4124. The asparagine at codon 1375 is replaced by serine, an amino acid with highly similar properties. This amino acid position is conserved. In addition, this alteration is predicted to be tolerated by in silico analysis. Based on the available evidence, the clinical significance of this variant remains unclear.

GeneDx
Classification: Uncertain significance. Last evaluated: 2024-09-25. Review status: criteria provided, single submitter. Criteria: GeneDx Variant Classification Process June 2021. Collection method: clinical testing. Allele origin: germline. Affected: yes.
Comment: Not observed at significant frequency in large population cohorts (gnomAD); In silico analysis indicates that this missense variant does not alter protein structure/function; Has not been previously published as pathogenic or benign to our knowledge

NM_014915.3(ANKRD26):c.4124A>G (p.Asn1375Ser)

Gene: ANKRD26 (ankyrin repeat domain containing 26; minus strand). Cytogenetic location: 10p12.1.
Variant type: single nucleotide variant.
Coding change: c.4124A>G on transcript NM_014915.3 (MANE Select); coding-DNA position 4124, A replaced by G.
Protein change: p.Asn1375Ser; replaces asparagine 1375 with serine.
Molecular consequence: missense variant.
Genome position (GRCh38, 1-based): chr10:27,022,649, T>C on the plus strand (A>G on the coding strand, the complement: ANKRD26 is on the minus strand). VCF-style: chr10-27022649-T-C. GRCh37 (hg19) VCF-style: chr10-27311578-T-C.
Other names: c.4121A>G, p.Asn1374Ser (NM_001256053.2); short protein forms N1375S, N1374S.
Identifiers: ClinVar variation 3397397 (VCV003397397.2).